The following is an entry in ClinVar:

NM_000138.5(FBN1):c.347-73A>G

Gene: FBN1 (fibrillin 1; minus strand). Cytogenetic location: 15q21.1.
Variant type: single nucleotide variant.
Coding change: c.347-73A>G on transcript NM_000138.5 (MANE Select); 73 bases into the intron before coding-DNA position 347, A replaced by G.
Molecular consequence: intron variant.
Genome position (GRCh38, 1-based): chr15:48,600,307, T>C on the plus strand (A>G on the coding strand, the complement: FBN1 is on the minus strand). VCF-style: chr15-48600307-T-C. GRCh37 (hg19) VCF-style: chr15-48892504-T-C.
Other names: NC_000015.9:g.48892504T>C; c.347-73A>G (NM_001406716.1, NM_001406717.1).
Identifiers: ClinVar variation 3068673 (VCV003068673.2), dbSNP rs28730799, ClinGen allele CA270052338.

ClinVar aggregate classification (germline): Benign (1 of 4 stars; one submission).

Conditions:
Marfan syndrome (MFS). Also called: FBN1-Related Marfan Syndrome; MARFAN SYNDROME, TYPE I; Marfan syndrome type 1; Marfan's syndrome; Marfan syndrome, classic. Identifiers: Orphanet 284963, Orphanet 558, MedGen C0024796, MONDO:0007947, OMIM 154700.

Allele frequency attached by ClinVar (database versions not stated): 1000 Genomes Project 0.00439; 1000 Genomes Project 30x 0.00500; gnomAD 0.00744; TOPMed 0.00759.
gnomAD v4.1: 9,771 of 1,064,214 alleles (0.92%); highest among the groups gnomAD compares: Middle Eastern, 1.2%; 63 homozygotes.

Submissions (7):

Molecular Genetics, Royal Melbourne Hospital
Classification: Benign for Marfan syndrome. Last evaluated: 2023-05-04. Review status: criteria provided, single submitter. Criteria: ACMG Guidelines, 2015. Collection method: clinical testing. Allele origin: germline. Affected: yes.
Comment: European Non-Finnish population allele frequency is 1.02%% (rs28730799, 1131/152226 alleles, 10 homozygotes in gnomAD v3.1). Based on the classification scheme RMH Modified ACMG/AMP Guidelines v1.5.1, this variant is classified as BENIGN. Following criteria are met: BA1

Dr. Peter K. Rogan Lab, Western University
No classification provided (evidence only). Condition: Lung cancer. Review status: no classification provided. Collection method: in vitro. Allele origin: not applicable. Functional consequence: retained intron. Not counted in ClinVar's aggregate classification.

Dr. Peter K. Rogan Lab, Western University
No classification provided (evidence only). Condition: Lung cancer. Review status: no classification provided. Collection method: in vitro. Allele origin: not applicable. Functional consequence: retained intron. Not counted in ClinVar's aggregate classification.

Dr. Peter K. Rogan Lab, Western University
No classification provided (evidence only). Condition: Acute myeloid leukemia. Review status: no classification provided. Collection method: in vitro. Allele origin: not applicable. Functional consequence: retained intron. Not counted in ClinVar's aggregate classification.

Dr. Peter K. Rogan Lab, Western University
No classification provided (evidence only). Condition: Ovarian serous cystadenocarcinoma. Review status: no classification provided. Collection method: in vitro. Allele origin: not applicable. Functional consequence: retained intron. Not counted in ClinVar's aggregate classification.

Dr. Peter K. Rogan Lab, Western University
No classification provided (evidence only). Condition: Malignant tumor of esophagus. Review status: no classification provided. Collection method: in vitro. Allele origin: not applicable. Functional consequence: retained intron. Not counted in ClinVar's aggregate classification.

Dr. Peter K. Rogan Lab, Western University
No classification provided (evidence only). Condition: Malignant tumor of esophagus. Review status: no classification provided. Collection method: in vitro. Allele origin: not applicable. Functional consequence: skipped exon. Not counted in ClinVar's aggregate classification.